The following is an entry in ClinVar:

NM_012208.4(HARS2):c.475C>T (p.Arg159Ter)

Gene: HARS2 (histidyl-tRNA synthetase 2, mitochondrial; plus strand). Cytogenetic location: 5q31.3.
Variant type: single nucleotide variant.
Coding change: c.475C>T on transcript NM_012208.4 (MANE Select); coding-DNA position 475, C replaced by T.
Protein change: p.Arg159Ter; replaces arginine 159 with a stop codon.
Molecular consequence: nonsense. On other transcripts: intron variant (1).
Genome position (GRCh38, 1-based): chr5:140,695,583, C>T. VCF-style: chr5-140695583-C-T. GRCh37 (hg19) VCF-style: chr5-140075168-C-T.
Other names: c.400C>T, p.Arg134Ter (NM_001278731.2); c.493C>T, p.Arg165Ter (NM_001363535.2); c.265C>T, p.Arg89Ter (NM_001363536.2); c.94-155C>T (NM_001278732.2); c.475C>T (NM_012208.2); short protein forms R134*, R165*, R89*, R159*.
Identifiers: ClinVar variation 1931186 (VCV001931186.8), dbSNP rs376181876, ClinGen allele CA3444441.

ClinVar aggregate classification (germline): Pathogenic/Likely pathogenic. Review status: criteria provided, multiple submitters, no conflicts (2 of 4 stars). 3 submissions from 3 submitters: Pathogenic (2); Likely pathogenic (1). Last evaluated 2025-10-27.

Conditions:
Perrault syndrome 2 (PRLTS2). Identifiers: Orphanet 2855, Orphanet 642976, MedGen C3554105, MONDO:0013972, OMIM 614926.

Allele frequency attached by ClinVar (database versions not stated): gnomAD 0.00001; gnomAD exomes 0.00001; ExAC 0.00002; TOPMed 0.00002; ESP Exome Variant Server 0.00008.
gnomAD v4.1: 17 of 1,614,004 alleles (0.0011%); highest among the groups gnomAD compares: East Asian, 0.0022%; no homozygotes.

Submissions (4):

Labcorp Genetics (formerly Invitae), Labcorp
Classification: Pathogenic. Last evaluated: 2025-10-27. Review status: criteria provided, single submitter. Criteria: Invitae Variant Classification Sherloc (09022015). Collection method: clinical testing. Allele origin: germline.
Comment: This sequence change creates a premature translational stop signal (p.Arg159*) in the HARS2 gene. It is expected to result in an absent or disrupted protein product. Loss-of-function variants in HARS2 are known to be pathogenic (PMID: 31827252). This variant is present in population databases (rs376181876, gnomAD 0.007%). This variant has not been reported in the literature in individuals affected with HARS2-related conditions. ClinVar contains an entry for this variant (Variation ID: 1931186). Algorithms developed to predict the effect of sequence changes on RNA splicing suggest that this variant may disrupt the consensus splice site. For these reasons, this variant has been classified as Pathogenic.

GeneDx
Classification: Likely pathogenic. Last evaluated: 2025-06-23. Review status: criteria provided, single submitter. Criteria: GeneDx Variant Classification Process June 2021. Collection method: clinical testing. Allele origin: germline. Affected: yes.
Comment: Identified in a patient with nonsyndromic hearing impairment in published literature (PMID: 39062730); Nonsense variant predicted to result in protein truncation or nonsense mediated decay in a gene for which loss of function is a known mechanism of disease; Not observed at a significant frequency in large population cohorts (gnomAD); This variant is associated with the following publications: (PMID: 39062730)

Genetics Department, Hospital Ramon y Cajal-IRYCIS
Classification: Pathogenic for Perrault syndrome 2. Last evaluated: 2024-06-14. Review status: criteria provided, single submitter. Criteria: ClinGen HL ACMG Specifications v1. Collection method: research. Allele origin: maternal. Affected: yes.
Comment: Found in trans with NM_012208.4:c.1439G>A

Dr. Peter K. Rogan Lab, Western University
No classification provided (evidence only). Condition: Gastric cancer. Review status: no classification provided. Collection method: in vitro. Allele origin: not applicable. Functional consequence: retained intron. Not counted in ClinVar's aggregate classification.

Literature cited by the submitters: PubMed 31827252 (cited by Labcorp Genetics (formerly Invitae), Labcorp).